The following is an entry in ClinVar:

ClinVar aggregate classification (germline): Uncertain significance (1 of 4 stars; one submission).

Conditions:
Pheochromocytoma. Also called: MAX-Related Hereditary Paraganglioma-Pheochromocytoma Syndrome. Identifiers: Orphanet 29072, MedGen C0031511, MONDO:0008233, OMIM 171300, HP:0002666.
Gastrointestinal stromal tumor. Also called: Gastrointestinal stromal tumor, somatic; Gastrointestinal stroma tumor. Identifiers: Orphanet 44890, MedGen C0238198, MeSH D046152, MONDO:0011719, OMIM 606764, HP:0100723.
Pheochromocytoma/paraganglioma syndrome 4. Also called: CAROTID BODY TUMORS AND MULTIPLE EXTRAADRENAL PHEOCHROMOCYTOMAS; PARAGANGLIOMA, FAMILIAL MALIGNANT; PARAGANGLIOMAS, HEREDITARY EXTRAADRENAL; PHEOCHROMOCYTOMA, FAMILIAL EXTRAADRENAL; Paragangliomas 4; SDHB-Related Hereditary Paraganglioma-Pheochromocytoma Syndrome (Paragangliomas 4). Identifiers: Orphanet 29072, MedGen C1861848, MONDO:0007273, OMIM 115310.

Submission:

Labcorp Genetics (formerly Invitae), Labcorp
Classification: Uncertain significance for Gastrointestinal stromal tumor; Pheochromocytoma/paraganglioma syndrome 4; Pheochromocytoma. Last evaluated: 2023-05-27. Review status: criteria provided, single submitter. Criteria: Invitae Variant Classification Sherloc (09022015). Collection method: clinical testing. Allele origin: germline.
Comment: In summary, the available evidence is currently insufficient to determine the role of this variant in disease. Therefore, it has been classified as a Variant of Uncertain Significance. Advanced modeling of protein sequence and biophysical properties (such as structural, functional, and spatial information, amino acid conservation, physicochemical variation, residue mobility, and thermodynamic stability) performed at Invitae indicates that this missense variant is not expected to disrupt SDHB protein function. This variant has not been reported in the literature in individuals affected with SDHB-related conditions. This variant is not present in population databases (gnomAD no frequency). This sequence change replaces tyrosine, which is neutral and polar, with phenylalanine, which is neutral and non-polar, at codon 128 of the SDHB protein (p.Tyr128Phe).

NM_003000.3(SDHB):c.383A>T (p.Tyr128Phe)

Gene: SDHB (succinate dehydrogenase complex iron sulfur subunit B; minus strand). Cytogenetic location: 1p36.13.
Variant type: single nucleotide variant.
Coding change: c.383A>T on transcript NM_003000.3 (MANE Select); coding-DNA position 383, A replaced by T.
Protein change: p.Tyr128Phe; replaces tyrosine 128 with phenylalanine.
Molecular consequence: missense variant. On other transcripts: intron variant (1).
Genome position (GRCh38, 1-based): chr1:17,028,640, T>A on the plus strand (A>T on the coding strand, the complement: SDHB is on the minus strand). VCF-style: chr1-17028640-T-A. GRCh37 (hg19) VCF-style: chr1-17355135-T-A.
Other names: c.369+14A>T (NM_001407361.1); short protein forms Y128F.
Identifiers: ClinVar variation 2941359 (VCV002941359.3), dbSNP rs772158627, ClinGen allele CA338274314.